The following is an entry in ClinVar:

NM_001164508.2(NEB):c.13252C>T (p.Gln4418Ter)

Gene: NEB (nebulin; minus strand). Cytogenetic location: 2q23.3.
Variant type: single nucleotide variant.
Coding change: c.13252C>T on transcript NM_001164508.2 (MANE Select); coding-DNA position 13252, C replaced by T.
Protein change: p.Gln4418Ter; replaces glutamine 4418 with a stop codon.
Molecular consequence: nonsense. On other transcripts: intron variant (1).
Genome position (GRCh38, 1-based): chr2:151,603,580, G>A on the plus strand (C>T on the coding strand, the complement: NEB is on the minus strand). VCF-style: chr2-151603580-G-A. GRCh37 (hg19) VCF-style: chr2-152460094-G-A.
Other names: c.13252C>T, p.Gln4418Ter (NM_001164507.2, NM_001271208.2); c.11601+6229C>T (NM_004543.5); short protein forms Q4418*.
Identifiers: ClinVar variation 2677125 (VCV002677125.3), dbSNP rs2552222439, ClinGen allele CA348771876.

ClinVar aggregate classification (germline): Pathogenic/Likely pathogenic. Review status: criteria provided, multiple submitters, no conflicts (2 of 4 stars). 2 submissions from 2 submitters: Pathogenic (1); Likely pathogenic (1). Last evaluated 2023-03-03.

Conditions:
Nemaline myopathy 2 (NEM2). Also called: Nemaline myopathy 2, autosomal recessive. Identifiers: MedGen C1850569, MONDO:0009725, OMIM 256030.
Arthrogryposis multiplex congenita 6. Identifiers: MedGen C5543431, MONDO:0030281, OMIM 619334.

Submissions (2):

Baylor Genetics
Classification: Likely pathogenic for Arthrogryposis multiplex congenita 6. Last evaluated: 2023-03-03. Review status: criteria provided, single submitter. Criteria: ACMG Guidelines, 2015. Collection method: clinical testing. Allele origin: unknown.

Juno Genomics, Hangzhou Juno Genomics, Inc
Classification: Pathogenic for Nemaline myopathy 2. Review status: criteria provided, single submitter. Criteria: ACMG Guidelines, 2015. Collection method: clinical testing. Allele origin: germline. Affected: yes.
Comment: Absent from controls (or at extremely low frequency if recessive) in Genome Aggregation Database, Exome Sequencing Project, 1000 Genomes Project, or Exome Aggregation Consortium.;Null variant in a gene where loss of function (LOF) is a known mechanism of disease.;Patient's phenotype or family history is highly specific for a disease with a single genetic etiology.